The following is an entry in ClinVar:

ClinVar aggregate classification (germline): Uncertain significance. Review status: criteria provided, multiple submitters, no conflicts (2 of 4 stars). 3 submissions from 3 submitters: Uncertain significance (3). Last evaluated 2026-08-17.

Conditions:
IFT88-related disorder. Also called: IFT88-related condition.

Allele frequency attached by ClinVar (database versions not stated): TOPMed below 0.00001; gnomAD 0.00001.
gnomAD v4.1: 6 of 1,611,896 alleles (0.00037%); highest among the groups gnomAD compares: African/African-American, 0.0027%; no homozygotes.

Submissions (3):

PreventionGenetics, part of Exact Sciences
Classification: Uncertain significance for IFT88-related condition. Last evaluated: 2026-08-17. Review status: criteria provided, single submitter. Criteria: ACMG Guidelines, 2015. Collection method: clinical testing. Allele origin: germline.
Comment: The IFT88 c.1006G>A variant is predicted to result in the amino acid substitution p.Ala336Thr. To our knowledge, this variant has not been reported in the literature. This variant is reported in 0.0062% of alleles in individuals of African descent in gnomAD. At this time, the clinical significance of this variant is uncertain due to the absence of conclusive functional and genetic evidence.

Labcorp Genetics (formerly Invitae), Labcorp
Classification: Uncertain significance. Last evaluated: 2025-08-20. Review status: criteria provided, single submitter. Criteria: Invitae Variant Classification Sherloc (09022015). Collection method: clinical testing. Allele origin: germline.
Comment: This sequence change replaces alanine, which is neutral and non-polar, with threonine, which is neutral and polar, at codon 336 of the IFT88 protein (p.Ala336Thr). This variant is present in population databases (no rsID available, gnomAD 0.007%). This variant has not been reported in the literature in individuals affected with IFT88-related conditions. ClinVar contains an entry for this variant (Variation ID: 2218200). An algorithm developed to predict the effect of missense changes on protein structure and function (PolyPhen-2) suggests that this variant is likely to be tolerated. In summary, the available evidence is currently insufficient to determine the role of this variant in disease. Therefore, it has been classified as a Variant of Uncertain Significance.

Ambry Genetics
Classification: Uncertain significance. Last evaluated: 2021-11-12. Review status: criteria provided, single submitter. Criteria: Ambry Variant Classification Scheme 2023. Collection method: clinical testing. Allele origin: germline.

NM_006531.5(IFT88):c.979G>A (p.Ala327Thr)

Gene: IFT88 (intraflagellar transport 88; plus strand). Cytogenetic location: 13q12.11.
Variant type: single nucleotide variant.
Coding change: c.979G>A on transcript NM_006531.5 (MANE Select); coding-DNA position 979, G replaced by A.
Protein change: p.Ala327Thr; replaces alanine 327 with threonine.
Molecular consequence: missense variant. On other transcripts: non-coding transcript variant (5).
Genome position (GRCh38, 1-based): chr13:20,601,871, G>A. VCF-style: chr13-20601871-G-A. GRCh37 (hg19) VCF-style: chr13-21176010-G-A.
Other names: c.1006G>A (NM_175605.4); c.922G>A, p.Ala308Thr (NM_001318491.2, NM_001353573.2, NM_001353575.2); c.1006G>A, p.Ala336Thr (NM_001318493.2, NM_001353565.2, NM_001353566.2 and 2 more transcripts); c.979G>A, p.Ala327Thr (NM_001353568.2, NM_001353572.2); c.346G>A, p.Ala116Thr (NM_001353579.2); c.904G>A, p.Ala302Thr (NM_001353569.2, NM_001353570.2, NM_001353576.2 and 1 more transcripts); c.877G>A, p.Ala293Thr (NM_001353571.2, NM_001353578.2); c.820G>A, p.Ala274Thr (NM_001353574.2); short protein forms A116T, A302T, A308T, A336T, A293T, A327T, A274T.
Identifiers: ClinVar variation 2218200 (VCV002218200.4), dbSNP rs943321085, ClinGen allele CA246524127.